The following is an entry in ClinVar:

NM_032119.4(ADGRV1):c.9851T>C (p.Leu3284Ser)

Gene: ADGRV1 (adhesion G protein-coupled receptor V1; plus strand). Cytogenetic location: 5q14.3.
Variant type: single nucleotide variant.
Coding change: c.9851T>C on transcript NM_032119.4 (MANE Select); coding-DNA position 9851, T replaced by C.
Protein change: p.Leu3284Ser; replaces leucine 3284 with serine.
Molecular consequence: missense variant. On other transcripts: non-coding transcript variant (1).
Genome position (GRCh38, 1-based): chr5:90,724,934, T>C. VCF-style: chr5-90724934-T-C. GRCh37 (hg19) VCF-style: chr5-90020751-T-C.
Other names: short protein forms L3284S.
Identifiers: ClinVar variation 1377045 (VCV001377045.8), dbSNP rs2149794750, ClinGen allele CA360402671.

ClinVar aggregate classification (germline): Uncertain significance (1 of 4 stars; one submission).

gnomAD v4.1: 7 of 1,609,798 alleles (0.00043%); highest among the groups gnomAD compares: Non-Finnish European, 0.00059%; no homozygotes.

Submission:

Labcorp Genetics (formerly Invitae), Labcorp
Classification: Uncertain significance. Last evaluated: 2023-10-30. Review status: criteria provided, single submitter. Criteria: Invitae Variant Classification Sherloc (09022015). Collection method: clinical testing. Allele origin: germline.
Comment: This sequence change replaces leucine, which is neutral and non-polar, with serine, which is neutral and polar, at codon 3284 of the ADGRV1 protein (p.Leu3284Ser). This variant is not present in population databases (gnomAD no frequency). This variant has not been reported in the literature in individuals affected with ADGRV1-related conditions. ClinVar contains an entry for this variant (Variation ID: 1377045). Advanced modeling of protein sequence and biophysical properties (such as structural, functional, and spatial information, amino acid conservation, physicochemical variation, residue mobility, and thermodynamic stability) has been performed at Invitae for this missense variant, however the output from this modeling did not meet the statistical confidence thresholds required to predict the impact of this variant on ADGRV1 protein function. In summary, the available evidence is currently insufficient to determine the role of this variant in disease. Therefore, it has been classified as a Variant of Uncertain Significance.